The following is an entry in ClinVar:

NM_000416.3(IFNGR1):c.1101G>A (p.Pro367=)

Gene: IFNGR1 (interferon gamma receptor 1; minus strand). Cytogenetic location: 6q23.3.
Variant type: single nucleotide variant.
Coding change: c.1101G>A on transcript NM_000416.3 (MANE Select); coding-DNA position 1101, G replaced by A.
Protein change: p.Pro367=; no amino-acid change (proline 367 retained).
Molecular consequence: synonymous variant.
Genome position (GRCh38, 1-based): chr6:137,198,400, C>T on the plus strand (G>A on the coding strand, the complement: IFNGR1 is on the minus strand). VCF-style: chr6-137198400-C-T. GRCh37 (hg19) VCF-style: chr6-137519537-C-T.
Other names: c.1071G>A, p.Pro357= (NM_001363526.1); c.978G>A, p.Pro326= (NM_001363527.1).
Identifiers: ClinVar variation 355553 (VCV000355553.19), dbSNP rs149761943, ClinGen allele CA4018811.

ClinVar aggregate classification (germline): Benign/Likely benign. Review status: criteria provided, multiple submitters, no conflicts (2 of 4 stars). 5 submissions from 5 submitters: Benign (1); Likely benign (3). 1 of the submissions does not count toward it. Last evaluated 2025-12-26.

Conditions:
IFNGR1-related disorder. Also called: IFNGR1-related condition.
Immunodeficiency 27A (IMD27A). Also called: IMMUNODEFICIENCY 27A, MYCOBACTERIOSIS, AUTOSOMAL RECESSIVE; IFNGR1 DEFICIENCY, AUTOSOMAL RECESSIVE. Identifiers: Orphanet 319569, Orphanet 99898, MedGen C4011949, MONDO:0008856, OMIM 209950.
Disseminated atypical mycobacterial infection. Identifiers: MedGen C0694566.

Allele frequency attached by ClinVar (database versions not stated): gnomAD exomes 0.00013 and 0.00023; ExAC 0.00037; gnomAD 0.00122 and 0.00131; ESP Exome Variant Server 0.00123; TOPMed 0.00156; 1000 Genomes Project 0.00160; 1000 Genomes Project 30x 0.00250.
gnomAD v4.1: 380 of 1,614,022 alleles (0.024%); highest among the groups gnomAD compares: African/African-American, 0.42%; 1 homozygote.

Submissions (5):

Labcorp Genetics (formerly Invitae), Labcorp
Classification: Benign for Disseminated atypical mycobacterial infection. Last evaluated: 2025-12-26. Review status: criteria provided, single submitter. Criteria: Invitae Variant Classification Sherloc (09022015). Collection method: clinical testing. Allele origin: germline.

Blueprint Genetics
Classification: Likely benign. Last evaluated: 2024-10-28. Review status: criteria provided, single submitter. Criteria: ACMG Guidelines, 2015. Collection method: clinical testing. Allele origin: germline.

Women's Health and Genetics/Laboratory Corporation of America, LabCorp
Classification: Likely benign. Last evaluated: 2023-12-22. Review status: criteria provided, single submitter. Criteria: LabCorp Variant Classification Summary - May 2015. Collection method: clinical testing. Allele origin: germline.

Illumina Laboratory Services, Illumina
Classification: Likely benign for Immunodeficiency 27A. Last evaluated: 2018-01-12. Review status: criteria provided, single submitter. Criteria: ICSL Variant Classification Criteria 13 December 2019. Collection method: clinical testing. Allele origin: germline.
Comment: This variant was observed in the ICSL laboratory as part of a predisposition screen in an ostensibly healthy population. It had not been previously curated by ICSL or reported in the Human Gene Mutation Database (HGMD: prior to June 1st, 2018), and was therefore a candidate for classification through an automated scoring system. Utilizing variant allele frequency, disease prevalence and penetrance estimates, and inheritance mode, an automated score was calculated to assess if this variant is too frequent to cause the disease. Based on the score and internal cut-off values, a variant classified as likely benign is not then subjected to further curation. The score for this variant resulted in a classification of likely benign for this disease.

PreventionGenetics, part of Exact Sciences
Classification: Likely benign for IFNGR1-related condition. Last evaluated: 2022-12-28. Review status: no assertion criteria provided. Collection method: clinical testing. Allele origin: germline. Not counted in ClinVar's aggregate classification.
Comment: This variant is classified as likely benign based on ACMG/AMP sequence variant interpretation guidelines (Richards et al. 2015 PMID: 25741868, with internal and published modifications).